The following is an entry in ClinVar:

ClinVar aggregate classification (germline): Likely benign. Review status: criteria provided, multiple submitters, no conflicts (2 of 4 stars). 2 submissions from 2 submitters: Likely benign (2). Last evaluated 2023-09-25.

Conditions:
Carnitine palmitoyltransferase II deficiency. Also called: Carnitine Palmitoyltransferase 2 Deficiency. Identifiers: Orphanet 157, MedGen C0342790, MONDO:0015515.

Allele frequency attached by ClinVar (database versions not stated): gnomAD exomes below 0.00001; TOPMed below 0.00001.
gnomAD v4.1: 2 of 1,613,974 alleles (0.00012%); highest among the groups gnomAD compares: Non-Finnish European, 0.00017%; no homozygotes.

Submissions (2):

Labcorp Genetics (formerly Invitae), Labcorp
Classification: Likely benign for Carnitine palmitoyltransferase II deficiency. Last evaluated: 2023-09-25. Review status: criteria provided, single submitter. Criteria: Invitae Variant Classification Sherloc (09022015). Collection method: clinical testing. Allele origin: germline.

GeneDx
Classification: Likely benign. Last evaluated: 2016-10-13. Review status: criteria provided, single submitter. Criteria: GeneDx Variant Classification (06012015). Collection method: clinical testing. Allele origin: germline. Affected: yes.
Comment: This variant is considered likely benign or benign based on one or more of the following criteria: it is a conservative change, it occurs at a poorly conserved position in the protein, it is predicted to be benign by multiple in silico algorithms, and/or has population frequency not consistent with disease.

NM_000098.3(CPT2):c.495A>T (p.Thr165=)

Gene: CPT2 (carnitine palmitoyltransferase 2; plus strand). Cytogenetic location: 1p32.3.
Variant type: single nucleotide variant.
Coding change: c.495A>T on transcript NM_000098.3 (MANE Select); coding-DNA position 495, A replaced by T.
Protein change: p.Thr165=; no amino-acid change (threonine 165 retained).
Molecular consequence: synonymous variant.
Genome position (GRCh38, 1-based): chr1:53,210,169, A>T. VCF-style: chr1-53210169-A-T. GRCh37 (hg19) VCF-style: chr1-53675841-A-T.
Other names: c.495A>T, p.Thr165= (NM_001330589.2).
Identifiers: ClinVar variation 389726 (VCV000389726.4), dbSNP rs1057523519, ClinGen allele CA16603720.